The following is an entry in ClinVar:

NM_001999.4(FBN2):c.2620A>C (p.Asn874His)

Gene: FBN2 (fibrillin 2; minus strand). Cytogenetic location: 5q23.3.
Variant type: single nucleotide variant.
Coding change: c.2620A>C on transcript NM_001999.4 (MANE Select); coding-DNA position 2620, A replaced by C.
Protein change: p.Asn874His; replaces asparagine 874 with histidine.
Molecular consequence: missense variant.
Genome position (GRCh38, 1-based): chr5:128,357,330, T>G on the plus strand (A>C on the coding strand, the complement: FBN2 is on the minus strand). VCF-style: chr5-128357330-T-G. GRCh37 (hg19) VCF-style: chr5-127693022-T-G.
Other names: short protein forms N874H.
Identifiers: ClinVar variation 458745 (VCV000458745.13), dbSNP rs1297639505, ClinGen allele CA360767397.

ClinVar aggregate classification (germline): Uncertain significance. Review status: criteria provided, multiple submitters, no conflicts (2 of 4 stars). 3 submissions from 3 submitters: Uncertain significance (3). Last evaluated 2025-07-24.

Conditions:
Ehlers-Danlos syndrome (EDS). Identifiers: Orphanet 98249, MedGen C0013720, MONDO:0020066.
Familial thoracic aortic aneurysm and aortic dissection (TAAD). Also called: Thoracic aortic aneurysms and dissections. Identifiers: Orphanet 91387, MedGen C4707243, MONDO:0019625.
Congenital contractural arachnodactyly (CCA). Also called: Beals-Hecht syndrome; BEALS SYNDROME; Arthrogryposis, distal, type 9. Identifiers: Orphanet 115, MedGen C0220668, MONDO:0007363, OMIM 121050.

Allele frequency attached by ClinVar (database versions not stated): gnomAD exomes below 0.00001; gnomAD 0.00001 and 0.00002.
gnomAD v4.1: 7 of 1,613,874 alleles (0.00043%); highest among the groups gnomAD compares: Admixed American, 0.0033%; no homozygotes.

Submissions (3):

Labcorp Genetics (formerly Invitae), Labcorp
Classification: Uncertain significance for Congenital contractural arachnodactyly. Last evaluated: 2025-07-24. Review status: criteria provided, single submitter. Criteria: Invitae Variant Classification Sherloc (09022015). Collection method: clinical testing. Allele origin: germline.
Comment: This sequence change replaces asparagine, which is neutral and polar, with histidine, which is basic and polar, at codon 874 of the FBN2 protein (p.Asn874His). This variant is not present in population databases (gnomAD no frequency). This variant has not been reported in the literature in individuals affected with FBN2-related conditions. ClinVar contains an entry for this variant (Variation ID: 458745). Invitae Evidence Modeling of protein sequence and biophysical properties (such as structural, functional, and spatial information, amino acid conservation, physicochemical variation, residue mobility, and thermodynamic stability) indicates that this missense variant is not expected to disrupt FBN2 protein function with a negative predictive value of 80%. In summary, the available evidence is currently insufficient to determine the role of this variant in disease. Therefore, it has been classified as a Variant of Uncertain Significance.

Ambry Genetics
Classification: Uncertain significance for Familial thoracic aortic aneurysm and aortic dissection. Last evaluated: 2022-03-28. Review status: criteria provided, single submitter. Criteria: Ambry Variant Classification Scheme 2023. Collection method: clinical testing. Allele origin: germline.

Genome Diagnostics Laboratory, The Hospital for Sick Children
Classification: Uncertain significance for Ehlers-Danlos syndrome. Last evaluated: 2020-01-01. Review status: criteria provided, single submitter. Criteria: ACMG Guidelines, 2015. Collection method: clinical testing. Allele origin: germline.